The following is an entry in ClinVar:

ClinVar aggregate classification (germline): Uncertain significance. Review status: criteria provided, multiple submitters, no conflicts (2 of 4 stars). 3 submissions from 3 submitters: Uncertain significance (2). 1 of the submissions does not count toward it. Last evaluated 2023-08-02.

Conditions:
Congenital hyperammonemia, type I. Also called: Carbamoyl-phosphate synthase I deficiency; Carbamoyl phosphate synthetase I deficiency disease; CPS I DEFICIENCY; Carbamoyl phosphate synthetase 1 deficiency; Hyperammonemia due to carbamoyl phosphate synthetase 1 deficiency; CPS 1 deficiency. Identifiers: Orphanet 147, MedGen C4082171, MONDO:0009376, OMIM 237300.

Submissions (3):

Women's Health and Genetics/Laboratory Corporation of America, LabCorp
Classification: Uncertain significance. Last evaluated: 2023-08-02. Review status: criteria provided, single submitter. Criteria: LabCorp Variant Classification Summary - May 2015. Collection method: clinical testing. Allele origin: germline.
Comment: Variant summary: CPS1 c.4471T>C (p.Tyr1491His) results in a conservative amino acid change located in the Methylglyoxal synthase-like domain (IPR011607) of the encoded protein sequence. Four of five in-silico tools predict a benign effect of the variant on protein function. The variant was absent in 251072 control chromosomes. c.4471T>C has been reported in the literature in an individual affected with late onset Carbamoylphosphate Synthetase I Deficiency (Summar_1998). However, the variant was detected in RNA, and no second variant was identified, making the complete genotype of this individual unclear. Therefore, this report does not provide unequivocal conclusions about association of the variant with Carbamoylphosphate Synthetase I Deficiency. At least one publication reports experimental evidence evaluating an impact on protein function (Pekkala_2010). The most pronounced variant effect results in 10%-<30% of normal Carbamoylphosphate Synthetase enzymatic activity in-vitro. The following publications have been ascertained in the context of this evaluation (PMID: 20578160, 9686343). One submitter has cited clinical-significance assessments for this variant to ClinVar after 2014 and has classified the variant as uncertain significance. Based on the evidence outlined above, the variant was classified as VUS-possibly pathogenic.

Department of Pathology and Laboratory Medicine, Sinai Health System
Classification: Uncertain significance for carbamoyl phosphate synthetase I deficiency disease. Last evaluated: 2021-12-27. Review status: criteria provided, single submitter. Criteria: ACMG Guidelines, 2015. Collection method: research. Allele origin: germline.

Counsyl
Classification: Uncertain significance for Congenital hyperammonemia, type I. Last evaluated: 2018-06-01. Review status: no assertion criteria provided. Collection method: clinical testing. Allele origin: unknown. Not counted in ClinVar's aggregate classification.

Literature cited by the submitters: PubMed 20578160 (cited by Women's Health and Genetics/Laboratory Corporation of America, LabCorp and Counsyl); PubMed 9686343 (cited by Women's Health and Genetics/Laboratory Corporation of America, LabCorp and Counsyl).

NM_001875.5(CPS1):c.4471T>C (p.Tyr1491His)

Gene: CPS1 (carbamoyl-phosphate synthase 1; plus strand). Cytogenetic location: 2q34.
Variant type: single nucleotide variant.
Coding change: c.4471T>C on transcript NM_001875.5 (MANE Select); coding-DNA position 4471, T replaced by C.
Protein change: p.Tyr1491His; replaces tyrosine 1491 with histidine.
Molecular consequence: missense variant. On other transcripts: non-coding transcript variant (2).
Genome position (GRCh38, 1-based): chr2:210,677,953, T>C. VCF-style: chr2-210677953-T-C. GRCh37 (hg19) VCF-style: chr2-211542677-T-C.
Other names: c.4471T>C (LRG_336t1); c.4471T>C, p.Tyr1491His (NM_001122633.3, NM_001369257.1); c.4504T>C, p.Tyr1502His (NM_001369256.1); short protein forms Y1491H, Y1502H.
Identifiers: ClinVar variation 558658 (VCV000558658.4), dbSNP rs1553519513, ClinGen allele CA350441312.
Genomic context (GRCh38, chr2:210,677,953, plus strand): 5'-AAACTTTTTGCTGAAGCTGTGCAGAAATCTCGCAAGGTGGACTCCAAGAGTCTTTTCCAC[T>C]ACAGGCAGTACAGTGCTGGAAAAGCAGCATAGAGATGCAGACACCCCAGCCCCATTATTA-3'
Protein context (NP_001866.2, residues 1481-1500): RKVDSKSLFH[Tyr1491His]RQYSAGKAA